The following is an entry in ClinVar:

NM_000059.4(BRCA2):c.5035del (p.Thr1679fs)

Gene: BRCA2 (BRCA2 DNA repair associated; plus strand). Cytogenetic location: 13q13.1.
Variant type: Deletion.
Coding change: c.5035del on transcript NM_000059.4 (MANE Select); coding-DNA position 5035, one base deleted (A; older notation c.5035delA).
Protein change: p.Thr1679fs; shifts the reading frame from threonine 1679.
Molecular consequence: frameshift variant.
Genome position (GRCh38, 1-based): chr13:32,339,390, A deleted; the last of 5 consecutive A bases (chr13:32,339,386-32,339,390); deleting any one gives the same sequence. VCF-style (leftmost placement, unchanged base first): chr13-32339385-GA-G. GRCh37 (hg19) VCF-style: chr13-32913522-GA-G.
Other names: 5263delA; c.5035delA (NM_000059.3).
Identifiers: ClinVar variation 37939 (VCV000037939.40), dbSNP rs80359477, ClinGen allele CA021168.

ClinVar aggregate classification (germline): Pathogenic. Review status: reviewed by expert panel (3 of 4 stars). 15 submissions from 15 submitters: Pathogenic (1). 14 of the submissions do not count toward it. Last evaluated 2016-09-08.

Conditions:
Hereditary cancer-predisposing syndrome. Also called: Tumor predisposition; Neoplastic Syndromes, Hereditary; Hereditary Cancer Syndrome; Hereditary neoplastic syndrome. Identifiers: Orphanet 140162, MedGen C0027672, MeSH D009386, MONDO:0015356.
Hereditary breast ovarian cancer syndrome. Also called: Hereditary breast and ovarian cancer syndrome (HBOC); Hereditary breast and ovarian cancer syndrome; Hereditary breast and ovarian cancer; Hereditary breast and/or ovarian cancer syndrome; Breast and ovarian cancer; BRCA1- and BRCA2-Associated Hereditary Breast and Ovarian Cancer. Identifiers: Orphanet 145, MedGen C0677776, MeSH D061325, MONDO:0003582. Disease mechanism: loss of function.
Breast-ovarian cancer, familial, susceptibility to, 2 (BROVCA2). Also called: BRCA2 Hereditary Breast and Ovarian Cancer. Identifiers: Orphanet 145, MedGen C2675520, MONDO:0012933, OMIM 612555. Disease mechanism: loss of function.
Breast-ovarian cancer, familial, susceptibility to, 1 (BROVCA1). Also called: OVARIAN CANCER, SUSCEPTIBILITY TO; BRCA1 Hereditary Breast and Ovarian Cancer. Identifiers: Orphanet 145, MedGen C2676676, MONDO:0011450, OMIM 604370. Disease mechanism: loss of function.
Familial cancer of breast. Also called: Hereditary breast cancer; hereditary breast carcinoma; BREAST CANCER, FAMILIAL. Identifiers: Orphanet 227535, MedGen C0346153, MONDO:0016419, OMIM 114480. Disease mechanism: loss of function.

Submissions (15):

Evidence-based Network for the Interpretation of Germline Mutant Alleles (ENIGMA)
Classification: Pathogenic for Breast-ovarian cancer, familial, susceptibility to, 2. Last evaluated: 2016-09-08. Review status: reviewed by expert panel. Criteria: ENIGMA BRCA1/2 Classification Criteria (2015). Collection method: curation. Allele origin: germline.
Comment: Variant allele predicted to encode a truncated non-functional protein.

Clinical Genomics Laboratory, Washington University in St. Louis
Classification: Pathogenic for Breast-ovarian cancer, familial, susceptibility to, 2. Last evaluated: 2025-12-17. Review status: criteria provided, single submitter. Criteria: ACMG Guidelines, 2015. Collection method: clinical testing. Allele origin: germline. Affected: yes. Not counted in ClinVar's aggregate classification.
Comment: The BRCA2 c.5035del (p.Thr1679Leufs*3) variant has been reported in two individuals from a cancer-related cohort, although with limited clinical information (Foley SB et al., PMID: 26023681; Rebbeck TR et al., PMID: 29446198). This variant has been reported in the ClinVar database as a germline pathogenic variant by 13 submitters, including an expert panel, and as a likely pathogenic variant by one submitter. This variant is absent from the general population (gnomAD v.2.1.1), indicating it is not a common variant. This variant causes a frameshift by deleting one nucleotide, leading to a premature termination codon, which is predicted to lead to nonsense-mediated decay. Based on available information and the ClinGen ENIGMA BRCA1 and BRCA2 Expert Panel Specifications to the ACMG/AMP Variant Interpretation Guidelines for BRCA2 Version 1.2.0 (Parsons MT et al., PMID: 39142283), this variant is classified as pathogenic.

Labcorp Genetics (formerly Invitae), Labcorp
Classification: Pathogenic for Hereditary breast ovarian cancer syndrome. Last evaluated: 2025-11-11. Review status: criteria provided, single submitter. Criteria: Invitae Variant Classification Sherloc (09022015). Collection method: clinical testing. Allele origin: germline. Not counted in ClinVar's aggregate classification.
Comment: This sequence change creates a premature translational stop signal (p.Thr1679Leufs*3) in the BRCA2 gene. It is expected to result in an absent or disrupted protein product. Loss-of-function variants in BRCA2 are known to be pathogenic (PMID: 20104584). This variant is not present in population databases (gnomAD no frequency). This premature translational stop signal has been observed in individual(s) with a personal and/or family history of breast and/or ovarian cancers (PMID: 26023681, 26845104, 29446198). This variant is also known as 5263delA. ClinVar contains an entry for this variant (Variation ID: 37939). For these reasons, this variant has been classified as Pathogenic.

Ambry Genetics
Classification: Pathogenic for Hereditary cancer-predisposing syndrome. Last evaluated: 2025-07-31. Review status: criteria provided, single submitter. Criteria: Ambry Variant Classification Scheme 2023. Collection method: clinical testing. Allele origin: germline. Not counted in ClinVar's aggregate classification.
Comment: The c.5035delA pathogenic mutation, located in coding exon 10 of the BRCA2 gene, results from a deletion of one nucleotide at position 5035, causing a translational frameshift with a predicted alternate stop codon (p.T1679Lfs*3). Of note, this variant is also known as 5263delA in published literature. This variant is considered to be rare based on population cohorts in the Genome Aggregation Database (gnomAD). In addition to the clinical data presented in the literature, this alteration is expected to result in loss of function by premature protein truncation or nonsense-mediated mRNA decay. As such, this alteration is interpreted as a disease-causing mutation.

Baylor Genetics
Classification: Pathogenic for Familial cancer of breast. Last evaluated: 2023-09-01. Review status: criteria provided, single submitter. Criteria: ACMG Guidelines, 2015. Collection method: clinical testing. Allele origin: unknown. Not counted in ClinVar's aggregate classification.

Quest Diagnostics Nichols Institute San Juan Capistrano
Classification: Pathogenic. Last evaluated: 2022-11-28. Review status: criteria provided, single submitter. Criteria: Quest Diagnostics criteria. Collection method: clinical testing. Allele origin: unknown. Not counted in ClinVar's aggregate classification.
Comment: This frameshift variant alters the translational reading frame of the BRCA2 mRNA and causes the premature termination of BRCA2 protein synthesis. It has not been reported in large, multi-ethnic general populations. In the published literature, the variant has been reported in individuals and families affected with breast/ovarian cancer (PMID: 11857748 (2002), 26023681 (2015), 35377489 (2022), 35710434 (2022)). Based on the available information, this variant is classified as pathogenic.

GeneDx
Classification: Pathogenic. Last evaluated: 2022-05-13. Review status: criteria provided, single submitter. Criteria: GeneDx Variant Classification Process June 2021. Collection method: clinical testing. Allele origin: germline. Affected: yes. Not counted in ClinVar's aggregate classification.
Comment: Frameshift variant predicted to result in protein truncation or nonsense mediated decay in a gene for which loss of function is a known mechanism of disease; Identified in individuals with BRCA2-related cancers in published literature (Foley 2015); Truncating variants in this gene are considered pathogenic by a well-established clinical consortium and/or database; Not observed at significant frequency in large population cohorts (gnomAD); Also known as 5263delA; This variant is associated with the following publications: (PMID: 26023681, 26845104, 29446198)

Color Diagnostics, LLC DBA Color Health
Classification: Pathogenic for Hereditary cancer-predisposing syndrome. Last evaluated: 2022-02-22. Review status: criteria provided, single submitter. Criteria: ACMG Guidelines, 2015. Collection method: clinical testing. Allele origin: germline. Not counted in ClinVar's aggregate classification.
Comment: This variant deletes 1 nucleotide in exon 11 of the BRCA2 gene, creating a frameshift and premature translation stop signal. This variant is expected to result in an absent or non-functional protein product. This variant is also known as 5263delA based on Breast Cancer Information Core (BIC) nomenclature. This variant has been reported in individuals affected with breast and ovarian cancer (PMID: 26023681, 26845104), and has been identified in three families among the CIMBA participants (PMID: 29446198). This variant has not been identified in the general population by the Genome Aggregation Database (gnomAD). Loss of BRCA2 function is a known mechanism of disease. Based on the available evidence, this variant is classified as Pathogenic.

Women's Health and Genetics/Laboratory Corporation of America, LabCorp
Classification: Pathogenic for Hereditary breast and ovarian cancer syndrome. Last evaluated: 2019-02-12. Review status: criteria provided, single submitter. Criteria: LabCorp Variant Classification Summary - May 2015. Collection method: clinical testing. Allele origin: germline. Not counted in ClinVar's aggregate classification.
Comment: Variant summary: BRCA2 c.5035delA (p.Thr1679LeufsX3) results in a premature termination codon, predicted to cause a truncation of the encoded protein or absence of the protein due to nonsense mediated decay, which are commonly known mechanisms for disease. The variant was absent in 30916 control chromosomes (gnomAD). c.5035delA has been reported in the literature in multiple individuals affected with Hereditary Breast and Ovarian Cancer (Foley_2015, Llort_2002, Rebbeck_2018). These data indicate that the variant is very likely to be associated with disease. To our knowledge, no experimental evidence demonstrating an impact on protein function has been reported. Six ClinVar submissions from clinical diagnostic laboratories (evaluation after 2014) cite the variant as likely pathogenic/pathogenic. Based on the evidence outlined above, the variant was classified as pathogenic.

ARUP Laboratories, Molecular Genetics and Genomics, ARUP Laboratories
Classification: Pathogenic. Last evaluated: 2018-10-03. Review status: criteria provided, single submitter. Criteria: ARUP Molecular Germline Variant Investigation Process. Collection method: clinical testing. Allele origin: germline. Not counted in ClinVar's aggregate classification.
Comment: The BRCA2 c.5035delA; p.Thr1679fs variant (rs80359477), also known as 5263delA, is reported in the literature in at least one individual affected with breast cancer (Foley 2015). This variant is reported as pathogenic by multiple laboratories in ClinVar (Variation ID: 37939), and is absent from general population databases (1000 Genomes Project, Exome Variant Server, and Genome Aggregation Database), indicating it is not a common polymorphism. This variant causes a frameshift by deleting a single nucleotide, so it is predicted to result in a truncated protein or mRNA subject to nonsense-mediated decay. Based on available information, the p.Thr1679fs variant is considered to be pathogenic. References: Foley SB et al. Use of Whole Genome Sequencing for Diagnosis and Discovery in the Cancer Genetics Clinic. EBioMedicine. 2015 Jan;2(1):74-81.

University of Washington Department of Laboratory Medicine, University of Washington
Classification: Pathogenic for Breast-ovarian cancer, familial, susceptibility to, 1. Last evaluated: 2015-11-20. Review status: criteria provided, single submitter. Criteria: Shirts et al. (Genet Med 2016). Collection method: clinical testing. Allele origin: germline. Affected: yes. Observed: 1 variant allele. Not counted in ClinVar's aggregate classification.

Consortium of Investigators of Modifiers of BRCA1/2 (CIMBA), c/o University of Cambridge
Classification: Pathogenic for Breast-ovarian cancer, familial, susceptibility to, 2. Last evaluated: 2015-10-02. Review status: criteria provided, single submitter. Criteria: CIMBA Mutation Classification guidelines May 2016. Collection method: clinical testing. Allele origin: germline. Not counted in ClinVar's aggregate classification.

Counsyl
Classification: Likely pathogenic for Breast-ovarian cancer, familial, susceptibility to, 2. Last evaluated: 2017-02-22. Review status: no assertion criteria provided. Collection method: clinical testing. Allele origin: unknown. Not counted in ClinVar's aggregate classification.

Sharing Clinical Reports Project (SCRP)
Classification: Pathogenic for Breast-ovarian cancer, familial 2. Last evaluated: 2011-01-11. Review status: no assertion criteria provided. Collection method: clinical testing. Allele origin: germline. Not counted in ClinVar's aggregate classification.

Breast Cancer Information Core (BIC) (BRCA2)
Classification: Pathogenic for Breast-ovarian cancer, familial 2. Last evaluated: 2003-12-23. Review status: no assertion criteria provided. Collection method: clinical testing. Allele origin: germline. Affected: yes. Observed: 1 variant allele. Not counted in ClinVar's aggregate classification.

Literature cited by the submitters: PubMed 20104584 (cited by Labcorp Genetics (formerly Invitae), Labcorp); PubMed 26023681 (cited by 6 submitters); PubMed 26845104 (cited by Labcorp Genetics (formerly Invitae), Labcorp and Color Diagnostics, LLC DBA Color Health); PubMed 29446198 (cited by 4 submitters); PubMed 11857748 (cited by Quest Diagnostics Nichols Institute San Juan Capistrano and Women's Health and Genetics/Laboratory Corporation of America, LabCorp); PubMed 35710434 (cited by Quest Diagnostics Nichols Institute San Juan Capistrano); PubMed 35377489 (cited by Quest Diagnostics Nichols Institute San Juan Capistrano).